The following is an entry in ClinVar:

NM_001190274.2(FBXO11):c.80_88del (p.Pro27_Gln29del)

Genes: FBXO11 (F-box protein 11; minus strand), LOC100506235 (uncharacterized LOC100506235; plus strand). Cytogenetic location: 2p16.3.
Variant type: Deletion.
Coding change: c.80_88del on transcript NM_001190274.2 (MANE Select); coding-DNA positions 80 to 88, 9 bases deleted (CCCCGCAGC; older notation c.80_88delCCCCGCAGC).
Protein change: p.Pro27_Gln29del.
Molecular consequence: non-coding transcript variant (on NR_187636.1).
Genome position (GRCh38, 1-based): chr2:47,905,633-47,905,641, GCTGCGGGG deleted on the plus strand (CCCCGCAGC on the coding strand, the reverse complement: FBXO11 is on the minus strand); deleting any 9 consecutive bases within chr2:47,905,633-47,905,646 gives the same sequence; the c. name uses the placement nearest the transcript's 3' end. VCF-style (leftmost placement, unchanged base first): chr2-47905632-TGCTGCGGGG-T. GRCh37 (hg19) VCF-style: chr2-48132771-TGCTGCGGGG-T.
Identifiers: ClinVar variation 2416823 (VCV002416823.43), dbSNP rs745432635, ClinGen allele CA1650252.

ClinVar aggregate classification (germline): Uncertain significance (1 of 4 stars; one submission).

Submission:

Labcorp Genetics (formerly Invitae), Labcorp
Classification: Uncertain significance. Last evaluated: 2025-10-23. Review status: criteria provided, single submitter. Criteria: Invitae Variant Classification Sherloc (09022015). Collection method: clinical testing. Allele origin: germline.
Comment: This variant, c.80_88del, results in the deletion of 3 amino acid(s) of the FBXO11 protein (p.Pro27_Gln29del), but otherwise preserves the integrity of the reading frame. The frequency data for this variant in the population databases is considered unreliable, as metrics indicate poor data quality at this position in the gnomAD database. This variant has not been reported in the literature in individuals affected with FBXO11-related conditions. ClinVar contains an entry for this variant (Variation ID: 2416823). Experimental studies and prediction algorithms are not available or were not evaluated, and the functional significance of this variant is currently unknown. In summary, the available evidence is currently insufficient to determine the role of this variant in disease. Therefore, it has been classified as a Variant of Uncertain Significance.